The following is an entry in ClinVar:

ClinVar aggregate classification (germline): Likely pathogenic. Review status: criteria provided, multiple submitters, no conflicts (2 of 4 stars). 2 submissions from 2 submitters: Likely pathogenic (2). Last evaluated 2024-02-18.

Conditions:
Combined oxidative phosphorylation defect type 8. Also called: CARDIOMYOPATHY, HYPERTROPHIC MITOCHONDRIAL, FATAL INFANTILE. Identifiers: Orphanet 319504, MedGen C4518839, MONDO:0013570, OMIM 614096.
Leukoencephalopathy, progressive, with ovarian failure (LKENP). Identifiers: Orphanet 99853, MedGen C4014588, MONDO:0014387, OMIM 615889.

Submissions (2):

3billion
Classification: Likely pathogenic for Leukoencephalopathy, progressive, with ovarian failure. Last evaluated: 2024-02-18. Review status: criteria provided, single submitter. Criteria: ACMG Guidelines, 2015. Collection method: clinical testing. Allele origin: germline. Affected: yes.
Comment: The variant is not observed in the gnomAD v2.1.1 dataset. Predicted Consequence/Location: Frameshift: predicted to result in a loss or disruption of normal protein function through nonsense-mediated decay (NMD) or protein truncation. Multiple pathogenic variants are reported downstream of the variant. Therefore, this variant is classified as Likely pathogenic according to the recommendation of ACMG/AMP guideline.

Juno Genomics, Hangzhou Juno Genomics, Inc
Classification: Likely pathogenic for Combined oxidative phosphorylation defect type 8; Leukoencephalopathy, progressive, with ovarian failure. Review status: criteria provided, single submitter. Criteria: ACMG Guidelines, 2015. Collection method: clinical testing. Allele origin: germline.
Comment: Absent from controls (or at extremely low frequency if recessive) in Genome Aggregation Database.;Null variant in a gene where loss of function (LOF) is a known mechanism of disease.

NM_020745.4(AARS2):c.521del (p.Gly174fs)

Gene: AARS2 (alanyl-tRNA synthetase 2, mitochondrial; minus strand). Cytogenetic location: 6p21.1.
Variant type: Deletion.
Coding change: c.521del on transcript NM_020745.4 (MANE Select); coding-DNA position 521, one base deleted (G; older notation c.521delG).
Protein change: p.Gly174fs; shifts the reading frame from glycine 174.
Molecular consequence: frameshift variant.
Genome position (GRCh38, 1-based): chr6:44,311,450, C deleted on the plus strand (G on the coding strand, the reverse complement: AARS2 is on the minus strand); the first of 2 consecutive C bases (chr6:44,311,450-44,311,451); deleting either gives the same sequence. VCF-style (leftmost placement, unchanged base first): chr6-44311449-AC-A. GRCh37 (hg19) VCF-style: chr6-44279186-AC-A.
Other names: short protein forms G174fs.
Identifiers: ClinVar variation 3775966 (VCV003775966.3).
Genomic context (GRCh38, chr6:44,311,449, plus strand): 5'-CCCTAAGCTCAGCCAGATGTCCCTGGTCTCCAGGTCTGGGTCCAGCCCTGCCTTGGGGTC[AC>A]CATCAAAGTAGGAGATCCAGAGCCTTTCCTCAGGGATCCCATAGACCTGAGTCAGCAGTT-3'